The following is an entry in ClinVar:

NM_004990.4(MARS1):c.1754-2A>G

Genes: MARS1 (methionyl-tRNA synthetase 1; plus strand), MIR6758 (microRNA 6758; plus strand). Cytogenetic location: 12q13.3.
Variant type: single nucleotide variant.
Coding change: c.1754-2A>G on transcript NM_004990.4 (MANE Select); the canonical splice acceptor site of the intron before coding-DNA position 1754, A replaced by G.
Molecular consequence: splice acceptor variant. On other transcripts: non-coding transcript variant (1).
Genome position (GRCh38, 1-based): chr12:57,512,749, A>G. VCF-style: chr12-57512749-A-G. GRCh37 (hg19) VCF-style: chr12-57906532-A-G.
Identifiers: ClinVar variation 5037623 (VCV005037623.1).

ClinVar aggregate classification (germline): Uncertain significance (1 of 4 stars; one submission).

gnomAD v4.1: 1 of 1,612,774 alleles (0.000062%); highest among the groups gnomAD compares: Non-Finnish European, 0.000085%; no homozygotes.

Submission:

GeneDx
Classification: Uncertain significance. Last evaluated: 2026-04-23. Review status: criteria provided, single submitter. Criteria: GeneDx Variant Classification Process June 2021. Collection method: clinical testing. Allele origin: germline.
Comment: Not observed at significant frequency in large population cohorts (gnomAD); Canonical splice site variant in a gene or region of a gene for which loss of function is not a well-established mechanism of disease; Has not been previously published as pathogenic or benign to our knowledge